The following is an entry in ClinVar:

ClinVar aggregate classification (germline): Pathogenic/Likely pathogenic. Review status: criteria provided, multiple submitters, no conflicts (2 of 4 stars). 12 submissions from 12 submitters: Pathogenic (9); Likely pathogenic (1). 2 of the submissions do not count toward it. Last evaluated 2025-11-06.

Conditions:
Cardiovascular phenotype. Identifiers: MedGen CN230736.
MYBPC3-related disorder. Also called: MYBPC3-related disorders; MYBPC3-related condition; MYBPC3-related disease.
Cardiomyopathy (CMYO). Also called: Cardiomyopathies. Identifiers: Orphanet 167848, MedGen C0878544, MONDO:0004994, HP:0001638. Inheritance: Various modes of inheritance.
Hypertrophic cardiomyopathy 4. Also called: Familial hypertrophic cardiomyopathy 4. Identifiers: MedGen C1861862, MONDO:0007268, OMIM 115197.
Hypertrophic cardiomyopathy. Also called: HYPERTROPHIC MYOCARDIOPATHY. Identifiers: Orphanet 217569, MedGen C0007194, MeSH D002312, MONDO:0005045, HP:0001639.

Allele frequency attached by ClinVar (database versions not stated): gnomAD 0.00001.

Submissions 1 to 8 of 12:

Labcorp Genetics (formerly Invitae), Labcorp
Classification: Pathogenic for Hypertrophic cardiomyopathy. Last evaluated: 2025-11-06. Review status: criteria provided, single submitter. Criteria: Invitae Variant Classification Sherloc (09022015). Collection method: clinical testing. Allele origin: germline.
Comment: This sequence change affects a donor splice site in intron 31 of the MYBPC3 gene. It is expected to disrupt RNA splicing. Variants that disrupt the donor or acceptor splice site typically lead to a loss of protein function (PMID: 16199547), and loss-of-function variants in MYBPC3 are known to be pathogenic (PMID: 19574547). This variant is not present in population databases (gnomAD no frequency). Disruption of this splice site has been observed in individuals with dilated cardiomyopathy and/or hyperthrophic cardiomyopathy (PMID: 16715312, 28615295, 29121657). It has also been observed to segregate with disease in related individuals. This variant is also known as intron 32+1G>T. ClinVar contains an entry for this variant (Variation ID: 181008). Algorithms developed to predict the effect of sequence changes on RNA splicing suggest that this variant may disrupt the consensus splice site. For these reasons, this variant has been classified as Pathogenic.

CeGaT Center for Human Genetics Tuebingen
Classification: Pathogenic. Last evaluated: 2025-03-01. Review status: criteria provided, single submitter. Criteria: CeGaT Center For Human Genetics Tuebingen Variant Classification Criteria Version 2. Collection method: clinical testing. Allele origin: germline. Affected: yes. Observed: 3 variant alleles.
Comment: MYBPC3: PVS1, PM2, PS4:Moderate, PS1:Supporting

All of Us Research Program, National Institutes of Health
Classification: Pathogenic for Hypertrophic cardiomyopathy. Last evaluated: 2024-08-13. Review status: criteria provided, single submitter. Criteria: ACMG Guidelines, 2015. Collection method: clinical testing. Allele origin: germline. Inheritance: Autosomal dominant inheritance. Observed: 1 variant allele, 1 heterozygote.
Comment: This variant causes a G>T nucleotide substitution at the +1 position of intron 31 of the MYBPC3 gene. Splice site prediction tools suggest that this variant may have a significant impact on RNA splicing. Although this prediction has not been confirmed in published RNA studies, this variant is expected to result in an absent or disrupted protein product. This variant has been reported in over 10 individuals affected with hypertrophic cardiomyopathy (PMID: 16715312, 18957093, 28615295, 29121657, 30297972, 32841044, 33495596, 33495597, 34694434, 35176171, 35581268, 38757491, 32841044, 38757491, 32841044, 38757491). It has been shown that this variant segregates with disease in multiple affected individuals in one family (PMID: 16715312, 18957093). This variant has also been reported in individuals affected with restrictive cardiomyopathy (PMID: 37937352) and in individuals affected with dilated cardiomyopathy (PMID: 16715312, 18957093, 20215591). This variant has not been identified in the general population by the Genome Aggregation Database (gnomAD). A different variant affecting the same splice donor site, c.3490+1G>A, is known to be disease-causing (ClinVar variation ID: 42715). Loss of MYBPC3 function is a known mechanism of disease. Based on the available evidence, this variant is classified as Pathogenic.

This study involves interpretation of variants in research participants for the purpose of population health screening. Participant phenotype was not available at the time of variant classification. Additional details can be found in publication PMID: 35346344, PMCID: PMC8962531

Color Diagnostics, LLC DBA Color Health
Classification: Pathogenic for Cardiomyopathy. Last evaluated: 2024-06-19. Review status: criteria provided, single submitter. Criteria: ACMG Guidelines, 2015. Collection method: clinical testing. Allele origin: germline.
Comment: This variant causes a G>T nucleotide substitution at the +1 position of intron 31 of the MYBPC3 gene. Splice site prediction tools suggest that this variant may have a significant impact on RNA splicing. Although this prediction has not been confirmed in published RNA studies, this variant is expected to result in an absent or disrupted protein product. This variant has been reported in over 10 individuals affected with hypertrophic cardiomyopathy (PMID: 16715312, 18957093, 28615295, 29121657, 30297972, 32841044, 33495596, 33495597, 34694434, 35176171, 35581268, 38757491, 32841044, 38757491, 32841044, 38757491). It has been shown that this variant segregates with disease in multiple affected individuals in one family (PMID: 16715312, 18957093). This variant has also been reported in individuals affected with restrictive cardiomyopathy (PMID: 37937352) and in individuals affected with dilated cardiomyopathy (PMID: 16715312, 18957093, 20215591). This variant has not been identified in the general population by the Genome Aggregation Database (gnomAD). A different variant affecting the same splice donor site, c.3490+1G>A, is known to be disease-causing (ClinVar variation ID: 42715). Loss of MYBPC3 function is a known mechanism of disease. Based on the available evidence, this variant is classified as Pathogenic.

Ambry Genetics
Classification: Pathogenic for Cardiovascular phenotype. Last evaluated: 2023-01-24. Review status: criteria provided, single submitter. Criteria: Ambry Variant Classification Scheme 2023. Collection method: clinical testing. Allele origin: germline.
Comment: The c.3490+1G>T intronic pathogenic mutation results from a G to T substitution one nucleotide after coding exon 31 of the MYBPC3 gene. This variant was identified in multiple individuals with hypertrophic or dilated cardiomyopathy (Haas J et al. Eur. Heart J., 2015 May;36:1123-35a; Ross SB et al. Circ Cardiovasc Genet, 2017 Jun;10:e001671; Viswanathan SK et al. PLoS ONE, 2017 Nov;12:e0187948) and was shown to segregate with disease in one family (Zeller R et al. J. Mol. Med., 2006 Aug;84:682-91; Ehlermann P et al. BMC Med. Genet., 2008 Oct;9:95). This variant is considered to be rare based on population cohorts in the Genome Aggregation Database (gnomAD). In silico splice site analysis predicts that this alteration will weaken the native splice donor site and will result in the creation or strengthening of a novel splice donor site. In addition to the clinical data presented in the literature, alterations that disrupt the canonical splice site are expected to cause aberrant splicing, resulting in an abnormal protein or a transcript that is subject to nonsense-mediated mRNA decay. As such, this alteration is classified as a disease-causing mutation.

Blueprint Genetics
Classification: Pathogenic for MYBPC3-related disorders. Last evaluated: 2023-01-12. Review status: criteria provided, single submitter. Criteria: ACMG Guidelines, 2015. Collection method: clinical testing. Allele origin: germline. Affected: yes. Observed: 2 variant alleles.

GeneDx
Classification: Pathogenic. Last evaluated: 2022-10-24. Review status: criteria provided, single submitter. Criteria: GeneDx Variant Classification Process June 2021. Collection method: clinical testing. Allele origin: germline. Affected: yes.
Comment: Canonical splice site variant predicted to result in a null allele in a gene for which loss of function is a known mechanism of disease; Not observed at significant frequency in large population cohorts (gnomAD); This variant is associated with the following publications: (PMID: 17947214, 28615295, 20215591, 18957093, 16715312, 25163546, 29121657)

Women's Health and Genetics/Laboratory Corporation of America, LabCorp
Classification: Pathogenic for Cardiomyopathy. Last evaluated: 2021-04-15. Review status: criteria provided, single submitter. Criteria: LabCorp Variant Classification Summary - May 2015. Collection method: clinical testing. Allele origin: germline.
Comment: Variant summary: MYBPC3 c.3490+1G>T (also reported as IVS32+1 G>T, IVS31+1 G>T) is located in a canonical splice-site and is predicted to affect mRNA splicing resulting in a significantly altered protein due to either exon skipping, shortening, or inclusion of intronic material. Several computational tools predict a significant impact on normal splicing: Two predict the variant abolishes a 5 splicing donor site. One predicts the variant weakens a 3 acceptor site. However, these predictions have yet to be confirmed by functional studies. The variant was absent in 233146 control chromosomes (gnomAD). c.3490+1G>T has been reported in the literature in multiple individuals affected with Cardiomyopathy (both hypertrophic and dilated cardiomyopathy) including in a family with clear segregation of the variant with the disease (example: Zeller_2006, Ehlermann_2008, Hershberger_2010, Hoedemaekers_2007, Ross_2017). These data indicate that the variant is very likely to be associated with disease. To our knowledge, no experimental evidence demonstrating an impact on protein function has been reported. Four ClinVar submitters (evaluation after 2014) cite the variant as pathogenic/likely pathogenic. Based on the evidence outlined above, the variant was classified as pathogenic.

NM_000256.3(MYBPC3):c.3490+1G>T

Gene: MYBPC3 (myosin binding protein C3; minus strand). Cytogenetic location: 11p11.2.
Variant type: single nucleotide variant.
Coding change: c.3490+1G>T on transcript NM_000256.3 (MANE Select); the canonical splice donor site of the intron after coding-DNA position 3490, G replaced by T.
Molecular consequence: splice donor variant.
Genome position (GRCh38, 1-based): chr11:47,332,813, C>A on the plus strand (G>T on the coding strand, the complement: MYBPC3 is on the minus strand). VCF-style: chr11-47332813-C-A. GRCh37 (hg19) VCF-style: chr11-47354364-C-A.
Identifiers: ClinVar variation 181008 (VCV000181008.43), dbSNP rs397516020, ClinGen allele CA014240.